The following is an entry in ClinVar:

ClinVar aggregate classification (germline): Conflicting classifications of pathogenicity. Review status: criteria provided, conflicting classifications (1 of 4 stars). 8 submissions from 6 submitters: Uncertain significance (4); Likely benign (3). 1 of the submissions does not count toward it. Last evaluated 2026-01-26.

Conditions:
Autosomal recessive nonsyndromic hearing loss 2. Also called: DEAFNESS, AUTOSOMAL RECESSIVE 2; NEUROSENSORY NONSYNDROMIC RECESSIVE DEAFNESS 2. Identifiers: Orphanet 90636, MedGen C1838701, MONDO:0010807, OMIM 600060.
Autosomal dominant nonsyndromic hearing loss 11. Identifiers: Orphanet 90635, MedGen C1832475, MONDO:0011032, OMIM 601317.
MYO7A-related disorder. Also called: MYO7A-related disorders.
Usher syndrome type 1 (USH1). Also called: RETINITIS PIGMENTOSA AND CONGENITAL DEAFNESS. Identifiers: Orphanet 231169, Orphanet 886, MedGen C1568247, MONDO:0010168, OMIM 276900.

gnomAD v4.1: 64 of 1,613,534 alleles (0.004%); highest among the groups gnomAD compares: Middle Eastern, 0.12%; no homozygotes.

Submissions (8):

Labcorp Genetics (formerly Invitae), Labcorp
Classification: Likely benign. Last evaluated: 2026-01-26. Review status: criteria provided, single submitter. Criteria: Invitae Variant Classification Sherloc (09022015). Collection method: clinical testing. Allele origin: germline.

Blueprint Genetics
Classification: Likely benign. Last evaluated: 2024-11-01. Review status: criteria provided, single submitter. Criteria: ACMG Guidelines, 2015. Collection method: clinical testing. Allele origin: germline.

CeGaT Center for Human Genetics Tuebingen
Classification: Uncertain significance. Last evaluated: 2023-05-01. Review status: criteria provided, single submitter. Criteria: CeGaT Center For Human Genetics Tuebingen Variant Classification Criteria Version 2. Collection method: clinical testing. Allele origin: germline. Affected: yes. Observed: 1 variant allele.
Comment: MYO7A: PM2, BP4

Illumina Laboratory Services, Illumina
Classification: Uncertain significance for Usher syndrome type 1. Last evaluated: 2017-11-28. Review status: criteria provided, single submitter. Criteria: ICSL Variant Classification Criteria 13 December 2019. Collection method: clinical testing. Allele origin: germline.

Illumina Laboratory Services, Illumina
Classification: Uncertain significance for Autosomal dominant nonsyndromic hearing loss 11. Last evaluated: 2017-11-28. Review status: criteria provided, single submitter. Criteria: ICSL Variant Classification Criteria 13 December 2019. Collection method: clinical testing. Allele origin: germline.

Illumina Laboratory Services, Illumina
Classification: Uncertain significance for Autosomal recessive nonsyndromic hearing loss 2. Last evaluated: 2017-11-28. Review status: criteria provided, single submitter. Criteria: ICSL Variant Classification Criteria 13 December 2019. Collection method: clinical testing. Allele origin: germline.

Laboratory for Molecular Medicine, Mass General Brigham Personalized Medicine
Classification: Likely benign. Last evaluated: 2016-12-08. Review status: criteria provided, single submitter. Criteria: LMM Criteria. Collection method: clinical testing. Allele origin: germline. Observed: 1 variant allele.
Comment: c.1343+8G>T in intron 12 of MYO7A: This variant is not expected to have clinical significance because it is not located within the splice consensus sequence. I t has been identified in 6/66590 European chromosomes by the Exome Aggregation C onsortium (ExAC; dbSNP rs2276278).

PreventionGenetics, part of Exact Sciences
Classification: Likely benign for MYO7A-related condition. Last evaluated: 2019-05-08. Review status: no assertion criteria provided. Collection method: clinical testing. Allele origin: germline. Not counted in ClinVar's aggregate classification.
Comment: This variant is classified as likely benign based on ACMG/AMP sequence variant interpretation guidelines (Richards et al. 2015 PMID: 25741868, with internal and published modifications).

NM_000260.4(MYO7A):c.1343+8G>T

Gene: MYO7A (myosin VIIA; plus strand). Cytogenetic location: 11q13.5.
Variant type: single nucleotide variant.
Coding change: c.1343+8G>T on transcript NM_000260.4 (MANE Select); 8 bases into the intron after coding-DNA position 1343, G replaced by T.
Molecular consequence: intron variant.
Genome position (GRCh38, 1-based): chr11:77,161,123, G>T. VCF-style: chr11-77161123-G-T. GRCh37 (hg19) VCF-style: chr11-76872169-G-T.
Other names: c.1310+8G>T (NM_001369365.1); c.1343+8G>T (NM_001127180.2).
Identifiers: ClinVar variation 517205 (VCV000517205.45), dbSNP rs2276278, ClinGen allele CA6197459.
Genomic context (GRCh38, chr11:77,161,123, plus strand): 5'-AGGTCCATCGGCCTCCTGGACATCTTTGGGTTTGAGAACTTTGCTGTGAACAGGTACCGC[G>T]TGGGGCTCTGCTCATGGGAATTTCCTTCCCCAATATGGAAATAAGAAATATCACGTCTCT-3'